The following is an entry in ClinVar:

NM_015221.4(DNMBP):c.1479A>C (p.Arg493Ser)

Genes: DNMBP (dynamin binding protein; minus strand), DNMBP-AS1 (DNMBP antisense RNA 1; plus strand). Cytogenetic location: 10q24.2.
Variant type: single nucleotide variant.
Coding change: c.1479A>C on transcript NM_015221.4 (MANE Select); coding-DNA position 1479, A replaced by C.
Protein change: p.Arg493Ser; replaces arginine 493 with serine.
Molecular consequence: missense variant. On other transcripts: non-coding transcript variant (1).
Genome position (GRCh38, 1-based): chr10:99,955,995, T>G on the plus strand (A>C on the coding strand, the complement: DNMBP is on the minus strand). VCF-style: chr10-99955995-T-G. GRCh37 (hg19) VCF-style: chr10-101715752-T-G.
Other names: c.1479A>C, p.Arg493Ser (NM_001441287.1, NM_001441288.1); short protein forms R493S.
Identifiers: ClinVar variation 4084747 (VCV004084747.8).

ClinVar aggregate classification (germline): Uncertain significance (1 of 4 stars; one submission).

gnomAD v4.1: 40 of 1,614,210 alleles (0.0025%); highest among the groups gnomAD compares: African/African-American, 0.048%; no homozygotes.

Submission:

CeGaT Center for Human Genetics Tuebingen
Classification: Uncertain significance. Last evaluated: 2025-05-01. Review status: criteria provided, single submitter. Criteria: CeGaT Center For Human Genetics Tuebingen Variant Classification Criteria Version 2. Collection method: clinical testing. Allele origin: germline. Affected: yes. Observed: 1 variant allele.
Comment: DNMBP: PM2, BP4